The following is an entry in ClinVar:

NM_017654.4(SAMD9):c.2521C>T (p.Pro841Ser)

Gene: SAMD9 (sterile alpha motif domain containing 9; minus strand). Cytogenetic location: 7q21.2.
Variant type: single nucleotide variant.
Coding change: c.2521C>T on transcript NM_017654.4 (MANE Select); coding-DNA position 2521, C replaced by T.
Protein change: p.Pro841Ser; replaces proline 841 with serine.
Molecular consequence: missense variant.
Genome position (GRCh38, 1-based): chr7:93,103,577, G>A on the plus strand (C>T on the coding strand, the complement: SAMD9 is on the minus strand). VCF-style: chr7-93103577-G-A. GRCh37 (hg19) VCF-style: chr7-92732890-G-A.
Other names: c.2521C>T, p.Pro841Ser (NM_001193307.2); short protein forms P841S.
Identifiers: ClinVar variation 4806199 (VCV004806199.1).

ClinVar aggregate classification (germline): Uncertain significance (1 of 4 stars; one submission).

Submission:

Labcorp Genetics (formerly Invitae), Labcorp
Classification: Uncertain significance. Last evaluated: 2025-06-06. Review status: criteria provided, single submitter. Criteria: Invitae Variant Classification Sherloc (09022015). Collection method: clinical testing. Allele origin: germline.
Comment: This sequence change replaces proline, which is neutral and non-polar, with serine, which is neutral and polar, at codon 841 of the SAMD9 protein (p.Pro841Ser). This variant is not present in population databases (gnomAD no frequency). This variant has not been reported in the literature in individuals affected with SAMD9-related conditions. Invitae Evidence Modeling of protein sequence and biophysical properties (such as structural, functional, and spatial information, amino acid conservation, physicochemical variation, residue mobility, and thermodynamic stability) has been performed for this missense variant. However, the output from this modeling did not meet the statistical confidence thresholds required to predict the impact of this variant on SAMD9 protein function. In summary, the available evidence is currently insufficient to determine the role of this variant in disease. Therefore, it has been classified as a Variant of Uncertain Significance.